The following is an entry in ClinVar:

NM_015202.5(KATNIP):c.2288A>T (p.Asp763Val)

Gene: KATNIP (katanin interacting protein; plus strand). Cytogenetic location: 16p12.1.
Variant type: single nucleotide variant.
Coding change: c.2288A>T on transcript NM_015202.5 (MANE Select); coding-DNA position 2288, A replaced by T.
Protein change: p.Asp763Val; replaces aspartic acid 763 with valine.
Molecular consequence: missense variant.
Genome position (GRCh38, 1-based): chr16:27,740,585, A>T. VCF-style: chr16-27740585-A-T. GRCh37 (hg19) VCF-style: chr16-27751906-A-T.
Other names: short protein forms D763V.
Identifiers: ClinVar variation 2018747 (VCV002018747.4), dbSNP rs2545146414, ClinGen allele CA395321665.

ClinVar aggregate classification (germline): Uncertain significance (1 of 4 stars; one submission).

Submission:

Labcorp Genetics (formerly Invitae), Labcorp
Classification: Uncertain significance. Last evaluated: 2022-08-16. Review status: criteria provided, single submitter. Criteria: Invitae Variant Classification Sherloc (09022015). Collection method: clinical testing. Allele origin: germline.
Comment: This sequence change replaces aspartic acid, which is acidic and polar, with valine, which is neutral and non-polar, at codon 763 of the KIAA0556 protein (p.Asp763Val). This variant is not present in population databases (gnomAD no frequency). This variant has not been reported in the literature in individuals affected with KIAA0556-related conditions. Algorithms developed to predict the effect of missense changes on protein structure and function (SIFT, PolyPhen-2, Align-GVGD) all suggest that this variant is likely to be tolerated. In summary, the available evidence is currently insufficient to determine the role of this variant in disease. Therefore, it has been classified as a Variant of Uncertain Significance.